The following is an entry in ClinVar:

ClinVar aggregate classification (germline): Uncertain significance (1 of 4 stars; one submission).

Conditions:
Hypertrophic cardiomyopathy. Also called: HYPERTROPHIC MYOCARDIOPATHY. Identifiers: Orphanet 217569, MedGen C0007194, MeSH D002312, MONDO:0005045, HP:0001639.

Submission:

Labcorp Genetics (formerly Invitae), Labcorp
Classification: Uncertain significance for Hypertrophic cardiomyopathy. Last evaluated: 2024-10-17. Review status: criteria provided, single submitter. Criteria: Invitae Variant Classification Sherloc (09022015). Collection method: clinical testing. Allele origin: germline.
Comment: This sequence change replaces arginine, which is basic and polar, with leucine, which is neutral and non-polar, at codon 1897 of the MYH7 protein (p.Arg1897Leu). This variant is not present in population databases (gnomAD no frequency). This variant has not been reported in the literature in individuals affected with MYH7-related conditions. Invitae Evidence Modeling of protein sequence and biophysical properties (such as structural, functional, and spatial information, amino acid conservation, physicochemical variation, residue mobility, and thermodynamic stability) indicates that this missense variant is expected to disrupt MYH7 protein function with a positive predictive value of 95%. In summary, the available evidence is currently insufficient to determine the role of this variant in disease. Therefore, it has been classified as a Variant of Uncertain Significance.

NM_000257.4(MYH7):c.5690G>T (p.Arg1897Leu)

Gene: MYH7 (myosin heavy chain 7; minus strand). Cytogenetic location: 14q11.2.
Variant type: single nucleotide variant.
Coding change: c.5690G>T on transcript NM_000257.4 (MANE Select); coding-DNA position 5690, G replaced by T.
Protein change: p.Arg1897Leu; replaces arginine 1897 with leucine.
Molecular consequence: missense variant.
Genome position (GRCh38, 1-based): chr14:23,413,859, C>A on the plus strand (G>T on the coding strand, the complement: MYH7 is on the minus strand). VCF-style: chr14-23413859-C-A. GRCh37 (hg19) VCF-style: chr14-23883068-C-A.
Other names: c.5690G>T, p.Arg1897Leu (NM_001407004.1); short protein forms R1897L.
Identifiers: ClinVar variation 2904486 (VCV002904486.3), dbSNP rs727503240, ClinGen allele CA389034681.